The following is an entry in ClinVar:

NM_183357.3(ADCY5):c.1518+1G>T

Gene: ADCY5 (adenylate cyclase 5; minus strand). Cytogenetic location: 3q21.1.
Variant type: single nucleotide variant.
Coding change: c.1518+1G>T on transcript NM_183357.3 (MANE Select); the canonical splice donor site of the intron after coding-DNA position 1518, G replaced by T.
Molecular consequence: splice donor variant.
Genome position (GRCh38, 1-based): chr3:123,332,563, C>A on the plus strand (G>T on the coding strand, the complement: ADCY5 is on the minus strand). VCF-style: chr3-123332563-C-A. GRCh37 (hg19) VCF-style: chr3-123051410-C-A.
Other names: c.1518+1G>T (NM_001378259.1); c.468+1G>T (NM_001199642.1).
Identifiers: ClinVar variation 2083954 (VCV002083954.1), dbSNP rs2472872923, ClinGen allele CA354220164.

ClinVar aggregate classification (germline): Likely pathogenic (1 of 4 stars; one submission).

Submission:

Labcorp Genetics (formerly Invitae), Labcorp
Classification: Likely pathogenic. Last evaluated: 2022-06-27. Review status: criteria provided, single submitter. Criteria: Invitae Variant Classification Sherloc (09022015). Collection method: clinical testing. Allele origin: germline.
Comment: This sequence change affects a donor splice site in intron 4 of the ADCY5 gene. It is expected to disrupt RNA splicing. Variants that disrupt the donor or acceptor splice site typically lead to a loss of protein function (PMID: 16199547), and loss-of-function variants in ADCY5 are known to be pathogenic (PMID: 28971144, 34631954). This variant is not present in population databases (gnomAD no frequency). This variant has not been reported in the literature in individuals affected with ADCY5-related conditions. Algorithms developed to predict the effect of sequence changes on RNA splicing suggest that this variant may disrupt the consensus splice site. In summary, the currently available evidence indicates that the variant is pathogenic, but additional data are needed to prove that conclusively. Therefore, this variant has been classified as Likely Pathogenic.

Literature cited by the submitters: PubMed 16199547; PubMed 28971144; PubMed 34631954.